The following is an entry in ClinVar:

ClinVar aggregate classification (germline): Uncertain significance. Review status: criteria provided, multiple submitters, no conflicts (2 of 4 stars). 2 submissions from 2 submitters: Uncertain significance (2). Last evaluated 2025-03-25.

Submissions (2):

Labcorp Genetics (formerly Invitae), Labcorp
Classification: Uncertain significance. Last evaluated: 2025-03-25. Review status: criteria provided, single submitter. Criteria: Invitae Variant Classification Sherloc (09022015). Collection method: clinical testing. Allele origin: germline.
Comment: This sequence change replaces phenylalanine, which is neutral and non-polar, with isoleucine, which is neutral and non-polar, at codon 405 of the CLTC protein (p.Phe405Ile). This variant is not present in population databases (gnomAD no frequency). This variant has not been reported in the literature in individuals affected with CLTC-related conditions. ClinVar contains an entry for this variant (Variation ID: 2499893). Invitae Evidence Modeling of protein sequence and biophysical properties (such as structural, functional, and spatial information, amino acid conservation, physicochemical variation, residue mobility, and thermodynamic stability) indicates that this missense variant is expected to disrupt CLTC protein function with a positive predictive value of 80%. In summary, the available evidence is currently insufficient to determine the role of this variant in disease. Therefore, it has been classified as a Variant of Uncertain Significance.

GeneDx
Classification: Uncertain significance. Last evaluated: 2022-10-20. Review status: criteria provided, single submitter. Criteria: GeneDx Variant Classification Process June 2021. Collection method: clinical testing. Allele origin: germline. Affected: yes.
Comment: Not observed at significant frequency in large population cohorts (gnomAD); In silico analysis supports that this missense variant has a deleterious effect on protein structure/function; Has not been previously published as pathogenic or benign to our knowledge

NM_004859.4(CLTC):c.1201T>A (p.Phe401Ile)

Gene: CLTC (clathrin heavy chain; plus strand). Cytogenetic location: 17q23.1.
Variant type: single nucleotide variant.
Coding change: c.1201T>A on transcript NM_004859.4 (MANE Select); coding-DNA position 1201, T replaced by A.
Protein change: p.Phe401Ile; replaces phenylalanine 401 with isoleucine.
Molecular consequence: missense variant.
Genome position (GRCh38, 1-based): chr17:59,661,476, T>A. VCF-style: chr17-59661476-T-A. GRCh37 (hg19) VCF-style: chr17-57738837-T-A.
Other names: c.1213T>A, p.Phe405Ile (NM_001288653.2); short protein forms F401I, F405I.
Identifiers: ClinVar variation 2499893 (VCV002499893.2), dbSNP rs2509378623, ClinGen allele CA400424314.